The following is an entry in ClinVar:

NM_001267550.2(TTN):c.1297G>A (p.Val433Ile)

Gene: TTN (titin; minus strand). Cytogenetic location: 2q31.2.
Variant type: single nucleotide variant.
Coding change: c.1297G>A on transcript NM_001267550.2 (MANE Select); coding-DNA position 1297, G replaced by A.
Protein change: p.Val433Ile; replaces valine 433 with isoleucine.
Molecular consequence: missense variant.
Genome position (GRCh38, 1-based): chr2:178,794,500, C>T on the plus strand (G>A on the coding strand, the complement: TTN is on the minus strand). VCF-style: chr2-178794500-C-T. GRCh37 (hg19) VCF-style: chr2-179659227-C-T.
Other names: p.V433I:GTT>ATT; c.1297G>A, p.Val433Ile (NM_001256850.1, NM_133378.4, NM_003319.4 and 3 more transcripts); short protein forms V433I.
Identifiers: ClinVar variation 130663 (VCV000130663.35), dbSNP rs146000949, ClinGen allele CA289082.

ClinVar aggregate classification (germline): Conflicting classifications of pathogenicity. Review status: criteria provided, conflicting classifications (1 of 4 stars). 21 submissions from 17 submitters: Uncertain significance (12); Benign (1); Likely benign (5). 3 of the submissions do not count toward it. Last evaluated 2026-08-31.

Conditions:
Cardiovascular phenotype. Identifiers: MedGen CN230736.
TTN-related disorder. Also called: TTN-related disorders; TTN-related condition; TTN-related disease.
Dilated cardiomyopathy 1G (CMD1G). Identifiers: Orphanet 154, MedGen C1858763, MONDO:0011400, OMIM 604145.
Autosomal recessive limb-girdle muscular dystrophy type 2J (LGMDR10). Also called: Limb-girdle muscular dystrophy, type 2J; MUSCULAR DYSTROPHY, LIMB-GIRDLE, AUTOSOMAL RECESSIVE 10. Identifiers: Orphanet 140922, MedGen C1837342, MONDO:0012127, OMIM 608807.
Early-onset myopathy with fatal cardiomyopathy (CMYO5). Also called: Salih Myopathy; CONGENITAL MYOPATHY 5 WITH CARDIOMYOPATHY. Identifiers: Orphanet 289377, MedGen C2673677, MONDO:0012714, OMIM 611705. Disease mechanism: loss of function.
Tibial muscular dystrophy (TMD). Also called: UDD MYOPATHY; Udd Distal Myopathy – Tibial Muscular Dystrophy; Tibial muscular dystrophy, tardive. Identifiers: Orphanet 609, MedGen C1838244, MONDO:0010870, OMIM 600334.
Myopathy, myofibrillar, 9, with early respiratory failure (MFM9). Also called: Hereditary myopathy with early respiratory failure; EDSTROM MYOPATHY; MYOPATHY, PROXIMAL, WITH EARLY RESPIRATORY MUSCLE INVOLVEMENT; Myopathy, distal, with early respiratory failure, autosomal dominant. Identifiers: Orphanet 178464, Orphanet 34521, MedGen C1863599, MONDO:0011362, OMIM 603689.

Allele frequency attached by ClinVar (database versions not stated): ExAC 0.00022; gnomAD exomes 0.00022 and 0.00041; ESP Exome Variant Server 0.00023; gnomAD 0.00029 and 0.00031; TOPMed 0.00032; 1000 Genomes Project 30x 0.00078; 1000 Genomes Project 0.00080.
gnomAD v4.1: 632 of 1,614,186 alleles (0.039%); highest among the groups gnomAD compares: Non-Finnish European, 0.047%; no homozygotes.

Submissions (21):

PreventionGenetics, part of Exact Sciences
Classification: Uncertain significance for TTN-related condition. Last evaluated: 2026-08-31. Review status: criteria provided, single submitter. Criteria: ACMG Guidelines, 2015. Collection method: clinical testing. Allele origin: germline.
Comment: The TTN c.1297G>A variant is predicted to result in the amino acid substitution p.Val433Ile. This variant has been reported in the heterozygous state in an individual with limb girdle muscular dystrophy; however, pathogenicity was not established with segregation or functional analysis (Punetha et al. 2016. PubMed ID: 27854218). This variant is reported in 0.033% of alleles in individuals of South Asian descent in gnomAD. Although we suspect that this variant may be benign, at this time, the clinical significance of this variant is uncertain due to the absence of conclusive functional and genetic evidence.

Women's Health and Genetics/Laboratory Corporation of America, LabCorp
Classification: Likely benign. Last evaluated: 2026-03-03. Review status: criteria provided, single submitter. Criteria: LabCorp Variant Classification Summary - May 2015. Collection method: clinical testing. Allele origin: germline.
Comment: Variant summary: TTN c.1297G>A (p.Val433Ile) results in a conservative amino acid change in the encoded protein sequence. Algorithms developed to predict the effect of missense changes on protein structure and function are either unavailable or do not agree on the potential impact of this missense change. The variant allele was found at a frequency of 0.00039 in 1614186 control chromosomes, predominantly at a frequency of 0.00047 within the Non-Finnish European subpopulation in the gnomAD database. The observed variant frequency within Non-Finnish European control individuals in the gnomAD database exceeds the estimated maximal expected allele frequency for disease-causing variants in TTN. c.1297G>A has been reported as a VUS in the heterozygous state in an individual affected with limb-girdle muscular dystrophy (Punetha_2016) and in an individual affected with cardiomyopathy and arrhythmia who also carried a VUS in TNNI3K (Pham_2023). These reports do not provide unequivocal conclusions about association of the variant with TTN-related conditions. To our knowledge, no experimental evidence demonstrating an impact on protein function has been reported. The following publications have been ascertained in the context of this evaluation (PMID: 37199186, 27854218). ClinVar contains an entry for this variant (Variation ID: 130663). Based on the evidence outlined above, the variant was classified as likely benign.

Molecular Diagnostic Laboratory for Inherited Cardiovascular Disease, Montreal Heart Institute
Classification: Likely benign. Last evaluated: 2025-04-09. Review status: criteria provided, single submitter. Criteria: ACMG Guidelines, 2015. Collection method: clinical testing. Allele origin: germline. Affected: no.

Revvity Omics, Revvity
Classification: Uncertain significance. Last evaluated: 2024-12-20. Review status: criteria provided, single submitter. Criteria: ACMG Guidelines, 2015. Collection method: clinical testing. Allele origin: germline.

Blueprint Genetics
Classification: Likely benign. Last evaluated: 2023-11-14. Review status: criteria provided, single submitter. Criteria: ACMG Guidelines, 2015. Collection method: clinical testing. Allele origin: germline.

Athena Diagnostics
Classification: Uncertain significance. Last evaluated: 2022-11-21. Review status: criteria provided, single submitter. Criteria: Athena Diagnostics Criteria. Collection method: clinical testing. Allele origin: unknown.
Comment: Available data are insufficient to determine the clinical significance of the variant at this time. The frequency of this variant in the general population is higher than would generally be expected for pathogenic variants in this gene. Computational tools disagree on the variant's effect on normal protein function.

GeneDx
Classification: Likely benign. Last evaluated: 2021-06-17. Review status: criteria provided, single submitter. Criteria: GeneDx Variant Classification Process June 2021. Collection method: clinical testing. Allele origin: germline. Affected: yes.
Comment: This variant is associated with the following publications: (PMID: 27854218)

Ambry Genetics
Classification: Uncertain significance for Cardiovascular phenotype. Last evaluated: 2018-12-05. Review status: criteria provided, single submitter. Criteria: Ambry Variant Classification Scheme 2023. Collection method: clinical testing. Allele origin: germline.
Comment: The p.V433I variant (also known as c.1297G>A), located in coding exon 7 of the TTN gene, results from a G to A substitution at nucleotide position 1297. The valine at codon 433 is replaced by isoleucine, an amino acid with highly similar properties. This amino acid position is highly conserved in available vertebrate species. In addition, this alteration is predicted to be tolerated by in silico analysis. Since supporting evidence is limited at this time, the clinical significance of this alteration remains unclear.

Eurofins Ntd Llc (ga)
Classification: Uncertain significance. Last evaluated: 2018-06-26. Review status: criteria provided, single submitter. Criteria: EGL ClinVar v180209 classification definitions. Collection method: clinical testing. Allele origin: germline. Observed: 5 variant alleles, 5 heterozygotes.

Illumina Laboratory Services, Illumina
Classification: Benign for Tibial muscular dystrophy. Last evaluated: 2018-01-12. Review status: criteria provided, single submitter. Criteria: ICSL Variant Classification Criteria 13 December 2019. Collection method: clinical testing. Allele origin: germline.
Comment: This variant was observed in the ICSL laboratory as part of a predisposition screen in an ostensibly healthy population. It had not been previously curated by ICSL or reported in the Human Gene Mutation Database (HGMD: prior to June 1st, 2018), and was therefore a candidate for classification through an automated scoring system. Utilizing variant allele frequency, disease prevalence and penetrance estimates, and inheritance mode, an automated score was calculated to assess if this variant is too frequent to cause the disease. Based on the score and internal cut-off values, a variant classified as benign is not then subjected to further curation. The score for this variant resulted in a classification of benign for this disease.

Illumina Laboratory Services, Illumina
Classification: Likely benign for Myopathy, myofibrillar, 9, with early respiratory failure. Last evaluated: 2018-01-12. Review status: criteria provided, single submitter. Criteria: ICSL Variant Classification Criteria 13 December 2019. Collection method: clinical testing. Allele origin: germline.
Comment: This variant was observed in the ICSL laboratory as part of a predisposition screen in an ostensibly healthy population. It had not been previously curated by ICSL or reported in the Human Gene Mutation Database (HGMD: prior to June 1st, 2018), and was therefore a candidate for classification through an automated scoring system. Utilizing variant allele frequency, disease prevalence and penetrance estimates, and inheritance mode, an automated score was calculated to assess if this variant is too frequent to cause the disease. Based on the score and internal cut-off values, a variant classified as likely benign is not then subjected to further curation. The score for this variant resulted in a classification of likely benign for this disease.

Illumina Laboratory Services, Illumina
Classification: Uncertain significance for Autosomal recessive limb-girdle muscular dystrophy type 2J. Last evaluated: 2018-01-12. Review status: criteria provided, single submitter. Criteria: ICSL Variant Classification Criteria 13 December 2019. Collection method: clinical testing. Allele origin: germline.

Illumina Laboratory Services, Illumina
Classification: Uncertain significance for Early-onset myopathy with fatal cardiomyopathy. Last evaluated: 2018-01-12. Review status: criteria provided, single submitter. Criteria: ICSL Variant Classification Criteria 13 December 2019. Collection method: clinical testing. Allele origin: germline.

Illumina Laboratory Services, Illumina
Classification: Uncertain significance for Dilated cardiomyopathy 1G. Last evaluated: 2018-01-12. Review status: criteria provided, single submitter. Criteria: ICSL Variant Classification Criteria 13 December 2019. Collection method: clinical testing. Allele origin: germline.

Labcorp Genetics (formerly Invitae), Labcorp
Classification: Uncertain significance for Dilated cardiomyopathy 1G; Autosomal recessive limb-girdle muscular dystrophy type 2J. Last evaluated: 2017-12-06. Review status: criteria provided, single submitter. Criteria: Invitae Variant Classification Sherloc (09022015). Collection method: clinical testing. Allele origin: germline.

Center for Pediatric Genomic Medicine, Children's Mercy Hospital and Clinics
Classification: Uncertain significance. Last evaluated: 2016-11-22. Review status: criteria provided, single submitter. Criteria: ACMG Guidelines, 2015. Collection method: clinical testing. Allele origin: germline.
ClinVar note: Converted during submission from Uncertain Significance to Uncertain significance.

Center for Genetic Medicine Research, Children's National Medical Center
Classification: Uncertain significance. Last evaluated: 2015-12-01. Review status: criteria provided, single submitter. Criteria: Punetha et al. (J Neuromuscul Dis. 2016). Collection method: research. Allele origin: unknown.

Genetic Services Laboratory, University of Chicago
Classification: Uncertain significance. Last evaluated: 2013-11-14. Review status: criteria provided, single submitter. Criteria: ACMG Guidelines, 2007. Collection method: clinical testing. Allele origin: germline.

Clinical Genetics DNA and cytogenetics Diagnostics Lab, Erasmus MC, Erasmus Medical Center
Classification: Uncertain significance. Review status: no assertion criteria provided. Collection method: clinical testing. Allele origin: germline. Affected: yes. Study: VKGL Data-share Consensus. Not counted in ClinVar's aggregate classification.

Clinical Genetics, Academic Medical Center
Classification: Uncertain significance. Review status: no assertion criteria provided. Collection method: clinical testing. Allele origin: germline. Affected: yes. Study: VKGL Data-share Consensus. Not counted in ClinVar's aggregate classification.

Diagnostic Laboratory, Department of Genetics, University Medical Center Groningen
Classification: Uncertain significance. Review status: no assertion criteria provided. Collection method: clinical testing. Allele origin: germline. Affected: yes. Study: VKGL Data-share Consensus. Not counted in ClinVar's aggregate classification.

Literature cited by the submitters: PubMed 27854218 (cited by Women's Health and Genetics/Laboratory Corporation of America, LabCorp and Athena Diagnostics); PubMed 37199186 (cited by Women's Health and Genetics/Laboratory Corporation of America, LabCorp).